The following is an entry in ClinVar:

ClinVar aggregate classification (germline): Pathogenic (1 of 4 stars; one submission).

Conditions:
Familial adenomatous polyposis 1 (FAP1). Also called: FAMILIAL ADENOMATOUS POLYPOSIS 1, ATTENUATED; POLYPOSIS, ADENOMATOUS INTESTINAL. Identifiers: MedGen C2713442, MONDO:0021056, OMIM 175100. Disease mechanism: loss of function.

Submission:

Myriad Genetics, Inc.
Classification: Pathogenic for Familial adenomatous polyposis 1. Last evaluated: 2023-05-16. Review status: criteria provided, single submitter. Criteria: Myriad Autosomal Dominant, Autosomal Recessive and X-Linked Classification Criteria (2023). Collection method: clinical testing. Allele origin: unknown.
Comment: This variant is considered pathogenic. This variant creates a termination codon and is predicted to result in premature protein truncation.

NM_000038.6(APC):c.6586A>T (p.Lys2196Ter)

Gene: APC (APC regulator of Wnt signaling pathway; plus strand). Cytogenetic location: 5q22.2.
Variant type: single nucleotide variant.
Coding change: c.6586A>T on transcript NM_000038.6 (MANE Select); coding-DNA position 6586, A replaced by T.
Protein change: p.Lys2196Ter; replaces lysine 2196 with a stop codon.
Molecular consequence: nonsense. On other transcripts: non-coding transcript variant (2).
Genome position (GRCh38, 1-based): chr5:112,842,180, A>T. VCF-style: chr5-112842180-A-T. GRCh37 (hg19) VCF-style: chr5-112177877-A-T.
Other names: c.6586A>T, p.Lys2196Ter (NM_001127510.3, NM_001354895.2, NM_001407450.1); c.6532A>T, p.Lys2178Ter (NM_001127511.3); c.6640A>T, p.Lys2214Ter (NM_001354896.2, NM_001407447.1, NM_001407448.1 and 1 more transcripts); c.6616A>T, p.Lys2206Ter (NM_001354897.2); c.6511A>T, p.Lys2171Ter (NM_001354898.2); c.6502A>T, p.Lys2168Ter (NM_001354899.2); c.6463A>T, p.Lys2155Ter (NM_001354900.2); c.6409A>T, p.Lys2137Ter (NM_001354901.2, NM_001407453.1); and 11 more; short protein forms K1812*, K1913*, K2036*, K2067*, K2070*, K2095*, K2105*, K2113*.
Identifiers: ClinVar variation 2584198 (VCV002584198.2), dbSNP rs864622102, ClinGen allele CA16035742.